The following is an entry in ClinVar:

NM_017617.5(NOTCH1):c.6748G>A (p.Ala2250Thr)

Gene: NOTCH1 (notch receptor 1; minus strand). Cytogenetic location: 9q34.3.
Variant type: single nucleotide variant.
Coding change: c.6748G>A on transcript NM_017617.5 (MANE Select); coding-DNA position 6748, G replaced by A.
Protein change: p.Ala2250Thr; replaces alanine 2250 with threonine.
Molecular consequence: missense variant.
Genome position (GRCh38, 1-based): chr9:136,496,991, C>T on the plus strand (G>A on the coding strand, the complement: NOTCH1 is on the minus strand). VCF-style: chr9-136496991-C-T. GRCh37 (hg19) VCF-style: chr9-139391443-C-T.
Other names: short protein forms A2250T.
Identifiers: ClinVar variation 935984 (VCV000935984.9), dbSNP rs1436539393, ClinGen allele CA375630411.
Genomic context (GRCh38, chr9:136,496,991, plus strand): 5'-GGCCAGTCTCAAAGGCCAGCCGGCCGCCCCCACCCAGCGCCGCCATCTCGGGCTTGGCCG[C>T]CACGTTCAGGTGCCCGATGCCCAGGTGGGTGTCGGGCATCCCAGGCAGGTGGTTGAGGGG-3'
Protein context (NP_060087.3, residues 2240-2260): THLGIGHLNV[Ala2250Thr]AKPEMAALGG

ClinVar aggregate classification (germline): Uncertain significance (1 of 4 stars; one submission).

Conditions:
Adams-Oliver syndrome 5 (AOS5). Identifiers: Orphanet 974, MedGen C4014970, MONDO:0014459, OMIM 616028.

Allele frequency attached by ClinVar (database versions not stated): gnomAD exomes below 0.00001.
gnomAD v4.1: 2 of 1,610,514 alleles (0.00012%); highest among the groups gnomAD compares: Non-Finnish European, 0.00017%; no homozygotes.

Submission:

Labcorp Genetics (formerly Invitae), Labcorp
Classification: Uncertain significance for Adams-Oliver syndrome 5. Last evaluated: 2019-06-07. Review status: criteria provided, single submitter. Criteria: Invitae Variant Classification Sherloc (09022015). Collection method: clinical testing. Allele origin: germline.
Comment: This variant has not been reported in the literature in individuals with NOTCH1-related conditions. This variant is not present in population databases (ExAC no frequency). This sequence change replaces alanine with threonine at codon 2250 of the NOTCH1 protein (p.Ala2250Thr). The alanine residue is moderately conserved and there is a small physicochemical difference between alanine and threonine. Algorithms developed to predict the effect of missense changes on protein structure and function are either unavailable or do not agree on the potential impact of this missense change (SIFT: "Deleterious"; PolyPhen-2: "Benign"; Align-GVGD: "Class C0"). In summary, the available evidence is currently insufficient to determine the role of this variant in disease. Therefore, it has been classified as a Variant of Uncertain Significance.